The following is an entry in ClinVar:

NM_001711.6(BGN):c.839G>A (p.Arg280Gln)

Gene: BGN (biglycan; plus strand). Cytogenetic location: Xq28.
Variant type: single nucleotide variant.
Coding change: c.839G>A on transcript NM_001711.6 (MANE Select); coding-DNA position 839, G replaced by A.
Protein change: p.Arg280Gln; replaces arginine 280 with glutamine.
Molecular consequence: missense variant.
Genome position (GRCh38, 1-based): chrX:153,507,115, G>A. VCF-style: chrX-153507115-G-A. GRCh37 (hg19) VCF-style: chrX-152772573-G-A.
Other names: short protein forms R280Q.
Identifiers: ClinVar variation 1715968 (VCV001715968.5), dbSNP rs1556993392, ClinGen allele CA415071451.
Genomic context (GRCh38, chrX:153,507,115, plus strand): 5'-TAGGCCACAACCAGATCAGGATGATCGAGAACGGGAGCCTGAGCTTCCTGCCCACCCTCC[G>A]GGAGCTCCACTTGGACAACAACAAGTTGGCCAGGGTGCCCTCAGGGCTCCCAGACCTCAA-3'
Protein context (NP_001702.1, residues 270-290): NGSLSFLPTL[Arg280Gln]ELHLDNNKLA

ClinVar aggregate classification (germline): Uncertain significance (1 of 4 stars; one submission).

Submission:

Labcorp Genetics (formerly Invitae), Labcorp
Classification: Uncertain significance. Last evaluated: 2022-08-09. Review status: criteria provided, single submitter. Criteria: Invitae Variant Classification Sherloc (09022015). Collection method: clinical testing. Allele origin: germline.
Comment: In summary, the available evidence is currently insufficient to determine the role of this variant in disease. Therefore, it has been classified as a Variant of Uncertain Significance. Algorithms developed to predict the effect of missense changes on protein structure and function are either unavailable or do not agree on the potential impact of this missense change (SIFT: "Not Available"; PolyPhen-2: "Probably Damaging"; Align-GVGD: "Not Available"). This variant has not been reported in the literature in individuals affected with BGN-related conditions. This variant is not present in population databases (gnomAD no frequency). This sequence change replaces arginine, which is basic and polar, with glutamine, which is neutral and polar, at codon 280 of the BGN protein (p.Arg280Gln).